The following is an entry in ClinVar:

ClinVar aggregate classification (germline): Uncertain significance (1 of 4 stars; one submission).

Submission:

GeneDx
Classification: Uncertain significance. Last evaluated: 2025-05-09. Review status: criteria provided, single submitter. Criteria: GeneDx Variant Classification Process June 2021. Collection method: clinical testing. Allele origin: germline. Affected: yes.
Comment: Not observed at significant frequency in large population cohorts (gnomAD); In silico analysis supports that this missense variant has a deleterious effect on protein structure/function; Has not been previously published as pathogenic or benign to our knowledge; Located in exon 38, which is reported as being expressed in a brain-specific transcript (PMID: 1830053, 18790697, 26109584); This variant is associated with the following publications: (PMID: 1830053, 18790697, 26109584)

NM_001148.6(ANK2):c.9818C>T (p.Ser3273Phe)

Gene: ANK2 (ankyrin 2; plus strand). Cytogenetic location: 4q26.
Variant type: single nucleotide variant.
Coding change: c.9818C>T on transcript NM_001148.6 (MANE Select); coding-DNA position 9818, C replaced by T.
Protein change: p.Ser3273Phe; replaces serine 3273 with phenylalanine.
Molecular consequence: missense variant. On other transcripts: intron variant (68).
Genome position (GRCh38, 1-based): chr4:113,358,436, C>T. VCF-style: chr4-113358436-C-T. GRCh37 (hg19) VCF-style: chr4-114279592-C-T.
Other names: c.4406-2387C>T (NM_001354230.2); c.4469-2387C>T (NM_001354231.2, NM_001354242.2); c.4472-2387C>T (NM_001386144.1, NM_001354240.2, NM_001354241.2); c.1991-2387C>T (NM_001354279.2, NM_001354282.2); c.1976-2387C>T (NM_001354280.2); c.1955-2387C>T (NM_001354278.2, NM_001354281.2); c.827-2387C>T (NM_001386167.1); c.4439-2387C>T (NM_001354225.2); and 35 more; short protein forms S2073F, S3195F, S3273F, S3312F, S3320F.
Identifiers: ClinVar variation 4528231 (VCV004528231.1).